The following is an entry in ClinVar:

NM_182961.4(SYNE1):c.5366A>G (p.Gln1789Arg)

Gene: SYNE1 (spectrin repeat containing nuclear envelope protein 1; minus strand). Cytogenetic location: 6q25.2.
Variant type: single nucleotide variant.
Coding change: c.5366A>G on transcript NM_182961.4 (MANE Select); coding-DNA position 5366, A replaced by G.
Protein change: p.Gln1789Arg; replaces glutamine 1789 with arginine.
Molecular consequence: missense variant.
Genome position (GRCh38, 1-based): chr6:152,419,624, T>C on the plus strand (A>G on the coding strand, the complement: SYNE1 is on the minus strand). VCF-style: chr6-152419624-T-C. GRCh37 (hg19) VCF-style: chr6-152740759-T-C.
Other names: c.5387A>G, p.Gln1796Arg (NM_033071.5); short protein forms Q1789R, Q1796R.
Identifiers: ClinVar variation 1311042 (VCV001311042.3), dbSNP rs371650310, ClinGen allele CA4058311.

ClinVar aggregate classification (germline): Uncertain significance (1 of 4 stars; one submission).

Allele frequency attached by ClinVar (database versions not stated): gnomAD exomes below 0.00001; ExAC 0.00001; gnomAD 0.00001; ESP Exome Variant Server 0.00008.
gnomAD v4.1: 7 of 1,613,772 alleles (0.00043%); highest among the groups gnomAD compares: African/African-American, 0.0013%; no homozygotes.

Submission:

GeneDx
Classification: Uncertain significance. Last evaluated: 2024-12-15. Review status: criteria provided, single submitter. Criteria: GeneDx Variant Classification Process June 2021. Collection method: clinical testing. Allele origin: germline. Affected: yes.
Comment: Not observed at significant frequency in large population cohorts (gnomAD); In silico analysis indicates that this missense variant does not alter protein structure/function; Has not been previously published as pathogenic or benign to our knowledge